The following is an entry in ClinVar:

ClinVar aggregate classification (germline): Uncertain significance (1 of 4 stars; one submission).

Conditions:
Familial thoracic aortic aneurysm and aortic dissection (TAAD). Also called: Thoracic aortic aneurysms and dissections. Identifiers: Orphanet 91387, MedGen C4707243, MONDO:0019625.

gnomAD v4.1: 3 of 1,613,746 alleles (0.00019%); highest among the groups gnomAD compares: Non-Finnish European, 0.00025%; no homozygotes.

Submission:

Color Diagnostics, LLC DBA Color Health
Classification: Uncertain significance for Familial thoracic aortic aneurysm and aortic dissection. Last evaluated: 2025-06-17. Review status: criteria provided, single submitter. Criteria: ACMG Guidelines, 2015. Collection method: clinical testing. Allele origin: germline.
Comment: This missense variant replaces serine with threonine at codon 390 of the FBN1 protein. Computational prediction suggests that this variant may not impact protein structure and function. To our knowledge, functional studies have not been reported for this variant. This variant has not been reported in individuals affected with FBN1-related disorders in the literature. This variant has been identified in 1/31400 chromosomes in the general population by the Genome Aggregation Database (gnomAD). The available evidence is insufficient to determine the role of this variant in disease conclusively. Therefore, this variant is classified as a Variant of Uncertain Significance.

NM_000138.5(FBN1):c.1168T>A (p.Ser390Thr)

Gene: FBN1 (fibrillin 1; minus strand). Cytogenetic location: 15q21.1.
Variant type: single nucleotide variant.
Coding change: c.1168T>A on transcript NM_000138.5 (MANE Select); coding-DNA position 1168, T replaced by A.
Protein change: p.Ser390Thr; replaces serine 390 with threonine.
Molecular consequence: missense variant.
Genome position (GRCh38, 1-based): chr15:48,516,342, A>T on the plus strand (T>A on the coding strand, the complement: FBN1 is on the minus strand). VCF-style: chr15-48516342-A-T. GRCh37 (hg19) VCF-style: chr15-48808539-A-T.
Other names: c.1168T>A, p.Ser390Thr (NM_001406716.1); short protein forms S390T.
Identifiers: ClinVar variation 4756934 (VCV004756934.1).